The following is an entry in ClinVar:

NM_001006658.3(CR2):c.1931G>A (p.Cys644Tyr)

Gene: CR2 (complement C3d receptor 2; plus strand). Cytogenetic location: 1q32.2.
Variant type: single nucleotide variant.
Coding change: c.1931G>A on transcript NM_001006658.3 (MANE Select); coding-DNA position 1931, G replaced by A.
Protein change: p.Cys644Tyr; replaces cysteine 644 with tyrosine.
Molecular consequence: missense variant.
Genome position (GRCh38, 1-based): chr1:207,473,132, G>A. VCF-style: chr1-207473132-G-A. GRCh37 (hg19) VCF-style: chr1-207646477-G-A.
Other names: c.1931G>A, p.Cys644Tyr (NM_001877.5); short protein forms C644Y.
Identifiers: ClinVar variation 540316 (VCV000540316.51), dbSNP rs149972318, ClinGen allele CA1368828.
Genomic context (GRCh38, chr1:207,473,132, plus strand): 5'-ACACTGTGACATTCAAGTGTTATAGTGGATTTACTTTGAAGGGCAGTAGTCAGATTCGTT[G>A]CAAAGCTGATAACACCTGGGATCCTGAAATACCAGTTTGTGAAAAAGGTAAAAACCCAAT-3'
Protein context (NP_001006659.1, residues 634-654): FTLKGSSQIR[Cys644Tyr]KADNTWDPEI

ClinVar aggregate classification (germline): Uncertain significance. Review status: criteria provided, multiple submitters, no conflicts (2 of 4 stars). 5 submissions from 5 submitters: Uncertain significance (4). 1 of the submissions does not count toward it. Last evaluated 2025-03-04.

Conditions:
Immunodeficiency, common variable, 7. Identifiers: Orphanet 1572, Orphanet 696894, MedGen C3542922, MONDO:0013862, OMIM 614699.

Allele frequency attached by ClinVar (database versions not stated): TOPMed 0.00029; ESP Exome Variant Server 0.00046; 1000 Genomes Project 30x 0.00016; 1000 Genomes Project 0.00020; ExAC 0.00021; gnomAD exomes 0.00022 and 0.00026; gnomAD 0.00023 and 0.00025.
gnomAD v4.1: 415 of 1,613,938 alleles (0.026%); highest among the groups gnomAD compares: South Asian, 0.049%; no homozygotes.

Submissions (5):

Center for Genomic Medicine, Rigshospitalet, Copenhagen University Hospital
Classification: Uncertain significance. Last evaluated: 2025-03-04. Review status: criteria provided, single submitter. Criteria: ACMG Guidelines, 2015. Collection method: clinical testing. Allele origin: germline.

Genome-Nilou Lab
Classification: Uncertain significance for Immunodeficiency, common variable, 7. Last evaluated: 2023-04-11. Review status: criteria provided, single submitter. Criteria: ACMG Guidelines, 2015. Collection method: clinical testing. Allele origin: germline. Affected: no.

Labcorp Genetics (formerly Invitae), Labcorp
Classification: Uncertain significance for Immunodeficiency, common variable, 7. Last evaluated: 2022-08-23. Review status: criteria provided, single submitter. Criteria: Invitae Variant Classification Sherloc (09022015). Collection method: clinical testing. Allele origin: germline.
Comment: This sequence change replaces cysteine, which is neutral and slightly polar, with tyrosine, which is neutral and polar, at codon 644 of the CR2 protein (p.Cys644Tyr). This variant is present in population databases (rs149972318, gnomAD 0.06%). This variant has not been reported in the literature in individuals affected with CR2-related conditions. ClinVar contains an entry for this variant (Variation ID: 540316). Algorithms developed to predict the effect of missense changes on protein structure and function (SIFT, PolyPhen-2, Align-GVGD) all suggest that this variant is likely to be disruptive. In summary, the available evidence is currently insufficient to determine the role of this variant in disease. Therefore, it has been classified as a Variant of Uncertain Significance.

CeGaT Center for Human Genetics Tuebingen
Classification: Uncertain significance. Last evaluated: 2018-07-01. Review status: criteria provided, single submitter. Criteria: CeGaT Center For Human Genetics Tuebingen Variant Classification Criteria Version 2. Collection method: clinical testing. Allele origin: germline. Affected: yes. Observed: 1 variant allele.

Bioscientia Institut fuer Medizinische Diagnostik GmbH, Sonic Healthcare
Classification: Uncertain significance for Immunodeficiency, common variable, 7. Last evaluated: 2019-10-23. Review status: no assertion criteria provided. Collection method: clinical testing. Allele origin: germline. Affected: yes. Not counted in ClinVar's aggregate classification.